The following is an entry in ClinVar:

NM_170784.3(MKKS):c.1580C>T (p.Pro527Leu)

Gene: MKKS (MKKS centrosomal shuttling protein; minus strand). Cytogenetic location: 20p12.2.
Variant type: single nucleotide variant.
Coding change: c.1580C>T on transcript NM_170784.3 (MANE Select); coding-DNA position 1580, C replaced by T.
Protein change: p.Pro527Leu; replaces proline 527 with leucine.
Molecular consequence: missense variant. On other transcripts: non-coding transcript variant (1).
Genome position (GRCh38, 1-based): chr20:10,405,380, G>A on the plus strand (C>T on the coding strand, the complement: MKKS is on the minus strand). VCF-style: chr20-10405380-G-A. GRCh37 (hg19) VCF-style: chr20-10386028-G-A.
Other names: c.1580C>T, p.Pro527Leu (NM_018848.3); short protein forms P527L.
Identifiers: ClinVar variation 1501636 (VCV001501636.8), dbSNP rs2122219454, ClinGen allele CA408230582.
Genomic context (GRCh38, chr20:10,405,380, plus strand): 5'-CTAAGCTTTGCAGTCAAACAGTCCAAGGTCAGGTTGCTGGCTGAGCCCACAGCTTCATGT[G>A]GAAGGCAGCTTTGTGGCACAAATGGACGACGTGTGCTTCTTAAGAAAGACCAGTTGAGTT-3'
Protein context (NP_740754.1, residues 517-537): RRPFVPQSCL[Pro527Leu]HEAVGSASNL

ClinVar aggregate classification (germline): Uncertain significance (1 of 4 stars; one submission).

Conditions:
Bardet-Biedl syndrome (BBS). Identifiers: Orphanet 110, MedGen C0752166, MONDO:0015229.
McKusick-Kaufman syndrome (MKKS). Also called: HYDROMETROCOLPOS SYNDROME; HYDROMETROCOLPOS, POSTAXIAL POLYDACTYLY, AND CONGENITAL HEART MALFORMATION. Identifiers: Orphanet 2473, MedGen C0948368, MONDO:0009367, OMIM 236700.

Submission:

Labcorp Genetics (formerly Invitae), Labcorp
Classification: Uncertain significance for McKusick-Kaufman syndrome; Bardet-Biedl syndrome. Last evaluated: 2021-03-10. Review status: criteria provided, single submitter. Criteria: Invitae Variant Classification Sherloc (09022015). Collection method: clinical testing. Allele origin: germline.
Comment: This sequence change replaces proline with leucine at codon 527 of the MKKS protein (p.Pro527Leu). The proline residue is highly conserved and there is a moderate physicochemical difference between proline and leucine. This variant is not present in population databases (ExAC no frequency). This variant has not been reported in the literature in individuals with MKKS-related conditions. Algorithms developed to predict the effect of missense changes on protein structure and function are either unavailable or do not agree on the potential impact of this missense change (SIFT: "Deleterious"; PolyPhen-2: "Benign"; Align-GVGD: "Class C0"). In summary, the available evidence is currently insufficient to determine the role of this variant in disease. Therefore, it has been classified as a Variant of Uncertain Significance.